The following is an entry in ClinVar:

ClinVar aggregate classification (germline): Likely pathogenic (1 of 4 stars; one submission).

Conditions:
Primary ciliary dyskinesia 3. Identifiers: Orphanet 244, MedGen C1837618, MONDO:0012085, OMIM 608644.

Submission:

Myriad Genetics, Inc.
Classification: Likely pathogenic for Primary ciliary dyskinesia 3. Last evaluated: 2022-01-24. Review status: criteria provided, single submitter. Criteria: Myriad Women's Health Autosomal Recessive and X-Linked Classification Criteria (2021). Collection method: clinical testing. Allele origin: unknown.
Comment: NM_001369.2(DNAH5):c.3082G>T(E1028*) is expected to be pathogenic in the context of DNAH5-related primary ciliary dyskinesia. This variant is predicted to lead to an abnormal or absent protein product due to the creation of a premature termination codon in DNAH5, a gene where loss-of-function variants are known to be pathogenic. Please note: this variant was assessed in the context of healthy population screening.

NM_001369.3(DNAH5):c.3082G>T (p.Glu1028Ter)

Genes: DNAH5-AS1 (DNAH5 antisense RNA 1; plus strand), DNAH5 (dynein axonemal heavy chain 5; minus strand). Cytogenetic location: 5p15.2.
Variant type: single nucleotide variant.
Coding change: c.3082G>T on transcript NM_001369.3 (MANE Select); coding-DNA position 3082, G replaced by T.
Protein change: p.Glu1028Ter; replaces glutamic acid 1028 with a stop codon.
Molecular consequence: nonsense.
Genome position (GRCh38, 1-based): chr5:13,882,996, C>A on the plus strand (G>T on the coding strand, the complement: DNAH5 is on the minus strand). VCF-style: chr5-13882996-C-A. GRCh37 (hg19) VCF-style: chr5-13883105-C-A.
Other names: short protein forms E1028*.
Identifiers: ClinVar variation 1724027 (VCV001724027.2), dbSNP rs2547031222, ClinGen allele CA359193538.